The following is an entry in ClinVar:

ClinVar aggregate classification (germline): Pathogenic (1 of 4 stars; one submission).

Conditions:
ERCC2-related disorder. Also called: ERCC2-related conditions; ERCC2-related condition; ERCC2-related disorders. Identifiers: MedGen CN239291.

Submission:

Myriad Genetics, Inc.
Classification: Pathogenic for ERCC2-related disorder. Last evaluated: 2025-06-23. Review status: criteria provided, single submitter. Criteria: Myriad Autosomal Dominant, Autosomal Recessive and X-Linked Classification Criteria (2023). Collection method: clinical testing. Allele origin: unknown.
Comment: NM_000400.3(ERCC2):c.1271_1272delGA(R424Nfs*25) is expected to be pathogenic in the context of ERCC2-related disorders. This variant is predicted to lead to an abnormal or absent protein product due to the creation of a premature termination codon in ERCC2, a gene where loss-of-function variants are known to be pathogenic. Please note: this variant was assessed in the context of healthy population screening.

NM_000400.4(ERCC2):c.1271_1272del (p.Arg424fs)

Gene: ERCC2 (ERCC excision repair 2, TFIIH core complex helicase subunit; minus strand). Cytogenetic location: 19q13.32.
Variant type: Deletion.
Coding change: c.1271_1272del on transcript NM_000400.4 (MANE Select); coding-DNA positions 1271 to 1272, 2 bases deleted (GA; older notation c.1271_1272delGA).
Protein change: p.Arg424fs; shifts the reading frame from arginine 424.
Molecular consequence: frameshift variant. On other transcripts: non-coding transcript variant (3).
Genome position (GRCh38, 1-based): chr19:45,357,665-45,357,666, TC deleted on the plus strand (GA on the coding strand, the reverse complement: ERCC2 is on the minus strand); deleting any 2 consecutive bases within chr19:45,357,665-45,357,667 gives the same sequence; the c. name uses the placement nearest the transcript's 3' end. VCF-style (leftmost placement, unchanged base first): chr19-45357664-TTC-T. GRCh37 (hg19) VCF-style: chr19-45860922-TTC-T.
Other names: c.1199_1200del, p.Arg400fs (NM_001440355.1); c.1193_1194del, p.Arg398fs (NM_001440356.1); c.1148_1149del, p.Arg383fs (NM_001440357.1); short protein forms R383fs, R398fs, R400fs, R424fs.
Identifiers: ClinVar variation 5014634 (VCV005014634.1).